The following is an entry in ClinVar:

NM_001943.5(DSG2):c.2245A>G (p.Arg749Gly)

Genes: DSG2 (desmoglein 2; plus strand), DSG2-AS1 (DSG2 antisense RNA 1; minus strand). Cytogenetic location: 18q12.1.
Variant type: single nucleotide variant.
Coding change: c.2245A>G on transcript NM_001943.5 (MANE Select); coding-DNA position 2245, A replaced by G.
Protein change: p.Arg749Gly; replaces arginine 749 with glycine.
Molecular consequence: missense variant.
Genome position (GRCh38, 1-based): chr18:31,542,763, A>G. VCF-style: chr18-31542763-A-G. GRCh37 (hg19) VCF-style: chr18-29122726-A-G.
Other names: short protein forms R749G.
Identifiers: ClinVar variation 4803006 (VCV004803006.1).

ClinVar aggregate classification (germline): Uncertain significance (1 of 4 stars; one submission).

Conditions:
Arrhythmogenic right ventricular dysplasia 10. Also called: Arrhythmogenic Right Ventricular Dysplasia/Cardiomyopathy10; ARRHYTHMOGENIC RIGHT VENTRICULAR DYSPLASIA, FAMILIAL, 10; Arrhythmogenic right ventricular dysplasia/cardiomyopathy, type 10. Identifiers: MedGen C1857777, MONDO:0012434, OMIM 610193.

Submission:

Labcorp Genetics (formerly Invitae), Labcorp
Classification: Uncertain significance for Arrhythmogenic right ventricular dysplasia 10. Last evaluated: 2025-09-10. Review status: criteria provided, single submitter. Criteria: Invitae Variant Classification Sherloc (09022015). Collection method: clinical testing. Allele origin: germline.
Comment: This sequence change replaces arginine, which is basic and polar, with glycine, which is neutral and non-polar, at codon 749 of the DSG2 protein (p.Arg749Gly). This variant is not present in population databases (gnomAD no frequency). This variant has not been reported in the literature in individuals affected with DSG2-related conditions. Invitae Evidence Modeling of protein sequence and biophysical properties (such as structural, functional, and spatial information, amino acid conservation, physicochemical variation, residue mobility, and thermodynamic stability) indicates that this missense variant is not expected to disrupt DSG2 protein function with a negative predictive value of 95%. In summary, the available evidence is currently insufficient to determine the role of this variant in disease. Therefore, it has been classified as a Variant of Uncertain Significance.